The following is an entry in ClinVar:

ClinVar aggregate classification (germline): Uncertain significance (1 of 4 stars; one submission).

Submission:

GeneDx
Classification: Uncertain significance. Last evaluated: 2024-05-26. Review status: criteria provided, single submitter. Criteria: GeneDx Variant Classification Process June 2021. Collection method: clinical testing. Allele origin: germline. Affected: yes.
Comment: Not observed at significant frequency in large population cohorts (gnomAD); Frameshift variant predicted to result in abnormal protein length as the last 24 amino acids are replaced with 16 different amino acids; Has not been previously published as pathogenic or benign to our knowledge

NM_006245.4(PPP2R5D):c.1735del (p.Val579fs)

Genes: MEA1 (male-enhanced antigen 1; minus strand), PPP2R5D (protein phosphatase 2 regulatory subunit B'delta; plus strand). Cytogenetic location: 6p21.1.
Variant type: Deletion.
Coding change: c.1735del on transcript NM_006245.4 (MANE Select); coding-DNA position 1735, one base deleted (G; older notation c.1735delG).
Protein change: p.Val579fs; shifts the reading frame from valine 579.
Molecular consequence: frameshift variant. On other transcripts: 3 prime UTR variant (1).
Genome position (GRCh38, 1-based): chr6:43,011,212, G deleted. VCF-style (leftmost placement, unchanged base first): chr6-43011211-CG-C. GRCh37 (hg19) VCF-style: chr6-42978949-CG-C.
Other names: c.*1258del (NM_014623.4); c.1282del, p.Val428fs (NM_001270476.2); c.1639del, p.Val547fs (NM_180976.3); c.1417del, p.Val473fs (NM_180977.3); short protein forms V428fs, V473fs, V547fs, V579fs.
Identifiers: ClinVar variation 3383601 (VCV003383601.1).